The following is an entry in ClinVar:

ClinVar aggregate classification (germline): Uncertain significance. Review status: criteria provided, multiple submitters, no conflicts (2 of 4 stars). 3 submissions from 3 submitters: Uncertain significance (3). Last evaluated 2025-04-09.

Conditions:
Inborn genetic diseases. Identifiers: MedGen C0950123, MeSH D030342.

Allele frequency attached by ClinVar (database versions not stated): gnomAD 0.00003 and 0.00002; gnomAD exomes 0.00003; ExAC 0.00001; TOPMed 0.00003.
gnomAD v4.1: 45 of 1,552,204 alleles (0.0029%); highest among the groups gnomAD compares: Middle Eastern, 0.1%; 2 homozygotes.

Submissions (3):

Ambry Genetics
Classification: Uncertain significance for Inborn genetic diseases. Last evaluated: 2025-04-09. Review status: criteria provided, single submitter. Criteria: Ambry Variant Classification Scheme 2023. Collection method: clinical testing. Allele origin: germline.

Labcorp Genetics (formerly Invitae), Labcorp
Classification: Uncertain significance. Last evaluated: 2022-06-10. Review status: criteria provided, single submitter. Criteria: Invitae Variant Classification Sherloc (09022015). Collection method: clinical testing. Allele origin: germline.
Comment: This sequence change replaces alanine, which is neutral and non-polar, with glycine, which is neutral and non-polar, at codon 538 of the SKIV2L protein (p.Ala538Gly). This variant is present in population databases (rs752938474, gnomAD 0.02%). This variant has not been reported in the literature in individuals affected with SKIV2L-related conditions. ClinVar contains an entry for this variant (Variation ID: 1040396). Algorithms developed to predict the effect of missense changes on protein structure and function (SIFT, PolyPhen-2, Align-GVGD) all suggest that this variant is likely to be tolerated. In summary, the available evidence is currently insufficient to determine the role of this variant in disease. Therefore, it has been classified as a Variant of Uncertain Significance.

Mayo Clinic Laboratories, Mayo Clinic
Classification: Uncertain significance. Last evaluated: 2019-08-11. Review status: criteria provided, single submitter. Criteria: ACMG Guidelines, 2015. Collection method: clinical testing. Allele origin: germline. Observed: 1 variant allele.

NM_006929.5(SKIC2):c.1613C>G (p.Ala538Gly)

Gene: SKIC2 (SKI2 subunit of superkiller complex; plus strand). Cytogenetic location: 6p21.33.
Variant type: single nucleotide variant.
Coding change: c.1613C>G on transcript NM_006929.5 (MANE Select); coding-DNA position 1613, C replaced by G.
Protein change: p.Ala538Gly; replaces alanine 538 with glycine.
Molecular consequence: missense variant.
Genome position (GRCh38, 1-based): chr6:31,963,699, C>G. VCF-style: chr6-31963699-C-G. GRCh37 (hg19) VCF-style: chr6-31931476-C-G.
Other names: short protein forms A538G.
Identifiers: ClinVar variation 1040396 (VCV001040396.11), dbSNP rs752938474, ClinGen allele CA3729524.